The following is an entry in ClinVar:

NM_025137.4(SPG11):c.1383G>T (p.Gln461His)

Gene: SPG11 (SPG11 vesicle trafficking associated, spatacsin; minus strand). Cytogenetic location: 15q21.1.
Variant type: single nucleotide variant.
Coding change: c.1383G>T on transcript NM_025137.4 (MANE Select); coding-DNA position 1383, G replaced by T.
Protein change: p.Gln461His; replaces glutamine 461 with histidine.
Molecular consequence: missense variant.
Genome position (GRCh38, 1-based): chr15:44,651,564, C>A on the plus strand (G>T on the coding strand, the complement: SPG11 is on the minus strand). VCF-style: chr15-44651564-C-A. GRCh37 (hg19) VCF-style: chr15-44943762-C-A.
Other names: c.1383G>T, p.Gln461His (NM_001160227.2); short protein forms Q461H.
Identifiers: ClinVar variation 466504 (VCV000466504.7), dbSNP rs932177370, ClinGen allele CA270102289.

ClinVar aggregate classification (germline): Uncertain significance. Review status: criteria provided, multiple submitters, no conflicts (2 of 4 stars). 2 submissions from 2 submitters: Uncertain significance (2). Last evaluated 2022-08-09.

Conditions:
Inborn genetic diseases. Identifiers: MedGen C0950123, MeSH D030342.
Hereditary spastic paraplegia 11. Also called: SPASTIC PARAPLEGIA, AUTOSOMAL RECESSIVE, COMPLICATED, WITH THIN CORPUS CALLOSUM; SPASTIC PARAPLEGIA, AUTOSOMAL RECESSIVE, WITH MENTAL IMPAIRMENT AND THIN CORPUS CALLOSUM; Nakamura Osame syndrome; Autosomal recessive hereditary spastic paraplegia, mental impairment, and thin corpus callosum; Spastic paraplegia, mental retardation and thin corpus callosum; Spastic Paraplegia 11. Identifiers: Orphanet 2822, MedGen C1858479, MONDO:0011445, OMIM 604360.

Allele frequency attached by ClinVar (database versions not stated): gnomAD exomes below 0.00001; gnomAD 0.00001.
gnomAD v4.1: 5 of 1,614,076 alleles (0.00031%); highest among the groups gnomAD compares: Non-Finnish European, 0.00017%; no homozygotes.

Submissions (2):

Labcorp Genetics (formerly Invitae), Labcorp
Classification: Uncertain significance for Hereditary spastic paraplegia 11. Last evaluated: 2022-08-09. Review status: criteria provided, single submitter. Criteria: Invitae Variant Classification Sherloc (09022015). Collection method: clinical testing. Allele origin: germline.
Comment: This sequence change replaces glutamine, which is neutral and polar, with histidine, which is basic and polar, at codon 461 of the SPG11 protein (p.Gln461His). This variant is not present in population databases (gnomAD no frequency). This variant has not been reported in the literature in individuals affected with SPG11-related conditions. ClinVar contains an entry for this variant (Variation ID: 466504). Algorithms developed to predict the effect of missense changes on protein structure and function output the following: SIFT: "Tolerated"; PolyPhen-2: "Probably Damaging"; Align-GVGD: "Class C0". The histidine amino acid residue is found in multiple mammalian species, which suggests that this missense change does not adversely affect protein function. In summary, the available evidence is currently insufficient to determine the role of this variant in disease. Therefore, it has been classified as a Variant of Uncertain Significance.

Ambry Genetics
Classification: Uncertain significance for Inborn genetic diseases. Last evaluated: 2019-12-28. Review status: criteria provided, single submitter. Criteria: Ambry Variant Classification Scheme 2023. Collection method: clinical testing. Allele origin: germline.
Comment: The p.Q461H variant (also known as c.1383G>T), located in coding exon 6 of the SPG11 gene, results from a G to T substitution at nucleotide position 1383. The glutamine at codon 461 is replaced by histidine, an amino acid with highly similar properties. This amino acid position is not well conserved in available vertebrate species, and histidine is the reference amino acid in other vertebrate species. In addition, this alteration is predicted to be tolerated by in silico analysis. Since supporting evidence is limited at this time, the clinical significance of this alteration remains unclear.